The following is an entry in ClinVar:

NM_004606.5(TAF1):c.2569+3C>T

Gene: TAF1 (TATA-box binding protein associated factor 1; plus strand). Cytogenetic location: Xq13.1.
Variant type: single nucleotide variant.
Coding change: c.2569+3C>T on transcript NM_004606.5 (MANE Select); 3 bases into the intron after coding-DNA position 2569, C replaced by T.
Molecular consequence: intron variant.
Genome position (GRCh38, 1-based): chrX:71,388,381, C>T. VCF-style: chrX-71388381-C-T. GRCh37 (hg19) VCF-style: chrX-70608231-C-T.
Other names: c.2569+3C>T (NM_001286074.2); c.2506+3C>T (NM_138923.4).
Identifiers: ClinVar variation 2660879 (VCV002660879.26), dbSNP rs748420042, ClinGen allele CA10446886.

ClinVar aggregate classification (germline): Benign/Likely benign. Review status: criteria provided, multiple submitters, no conflicts (2 of 4 stars). 2 submissions from 2 submitters: Benign (1); Likely benign (1). Last evaluated 2024-09-24.

Allele frequency attached by ClinVar (database versions not stated): gnomAD 0.00001; gnomAD exomes 0.00002; ExAC 0.00006.
gnomAD v4.1: 21 of 1,200,939 alleles (0.0017%); highest among the groups gnomAD compares: South Asian, 0.0037%; no homozygotes.

Submissions (2):

Labcorp Genetics (formerly Invitae), Labcorp
Classification: Benign. Last evaluated: 2024-09-24. Review status: criteria provided, single submitter. Criteria: Invitae Variant Classification Sherloc (09022015). Collection method: clinical testing. Allele origin: germline.

CeGaT Center for Human Genetics Tuebingen
Classification: Likely benign. Last evaluated: 2023-06-01. Review status: criteria provided, single submitter. Criteria: CeGaT Center For Human Genetics Tuebingen Variant Classification Criteria Version 2. Collection method: clinical testing. Allele origin: germline. Affected: yes. Observed: 1 variant allele.
Comment: TAF1: BP4, BS2